The following is an entry in ClinVar:

ClinVar aggregate classification (germline): Uncertain significance (1 of 4 stars; one submission).

Submission:

Labcorp Genetics (formerly Invitae), Labcorp
Classification: Uncertain significance. Last evaluated: 2023-11-04. Review status: criteria provided, single submitter. Criteria: Invitae Variant Classification Sherloc (09022015). Collection method: clinical testing. Allele origin: germline.
Comment: This variant, c.736_738del, results in the deletion of 1 amino acid(s) of the CFI protein (p.Asp246del), but otherwise preserves the integrity of the reading frame. This variant is not present in population databases (gnomAD no frequency). This variant has not been reported in the literature in individuals affected with CFI-related conditions. Experimental studies and prediction algorithms are not available or were not evaluated, and the functional significance of this variant is currently unknown. In summary, the available evidence is currently insufficient to determine the role of this variant in disease. Therefore, it has been classified as a Variant of Uncertain Significance.

NM_000204.5(CFI):c.736_738del (p.Asp246del)

Gene: CFI (complement factor I; minus strand). Cytogenetic location: 4q25.
Variant type: Deletion.
Coding change: c.736_738del on transcript NM_000204.5 (MANE Select); coding-DNA positions 736 to 738, 3 bases deleted (GAT; older notation c.736_738delGAT).
Protein change: p.Asp246del; deletes aspartic acid 246.
Molecular consequence: inframe deletion. On other transcripts: non-coding transcript variant (3).
Genome position (GRCh38, 1-based): chr4:109,760,557-109,760,559, ATC deleted on the plus strand (GAT on the coding strand, the reverse complement: CFI is on the minus strand); deleting any 3 consecutive bases within chr4:109,760,557-109,760,561 gives the same sequence; the c. name uses the placement nearest the transcript's 3' end. VCF-style (leftmost placement, unchanged base first): chr4-109760556-AATC-A. GRCh37 (hg19) VCF-style: chr4-110681712-AATC-A.
Other names: c.736_738del, p.Asp246del (NM_001318057.2, NM_001331035.2, NM_001375278.1 and 5 more transcripts); c.127_129del, p.Asp43del (NM_001375284.1); short protein forms D246del, D43del.
Identifiers: ClinVar variation 2693312 (VCV002693312.3), dbSNP rs2545435872, ClinGen allele CA2697546853.